The following is an entry in ClinVar:

ClinVar aggregate classification (germline): Uncertain significance (1 of 4 stars; one submission).

gnomAD v4.1: 1 of 1,613,074 alleles (0.000062%); highest among the groups gnomAD compares: Non-Finnish European, 0.000085%; no homozygotes.

Submission:

GeneDx
Classification: Uncertain significance. Last evaluated: 2026-08-14. Review status: criteria provided, single submitter. Criteria: GeneDx Variant Classification Process June 2021. Collection method: clinical testing. Allele origin: germline.
Comment: Not observed at significant frequency in large population cohorts (gnomAD); In silico analysis supports that this missense variant has a deleterious effect on protein structure/function; Has not been previously published as pathogenic or benign to our knowledge

NM_144973.4(DENND5B):c.1624G>A (p.Asp542Asn)

Gene: DENND5B (DENN domain containing 5B; minus strand). Cytogenetic location: 12p11.21.
Variant type: single nucleotide variant.
Coding change: c.1624G>A on transcript NM_144973.4 (MANE Select); coding-DNA position 1624, G replaced by A.
Protein change: p.Asp542Asn; replaces aspartic acid 542 with asparagine.
Molecular consequence: missense variant.
Genome position (GRCh38, 1-based): chr12:31,451,945, C>T on the plus strand (G>A on the coding strand, the complement: DENND5B is on the minus strand). VCF-style: chr12-31451945-C-T. GRCh37 (hg19) VCF-style: chr12-31604879-C-T.
Other names: c.1729G>A, p.Asp577Asn (NM_001308339.2); c.1690G>A, p.Asp564Asn (NM_001366890.1, NM_001366893.1); c.1093G>A, p.Asp365Asn (NM_001366891.1); c.1624G>A, p.Asp542Asn (NM_001366892.1); short protein forms D365N, D542N, D564N, D577N.
Identifiers: ClinVar variation 3342583 (VCV003342583.2).